The following is an entry in ClinVar:

ClinVar aggregate classification (germline): Benign/Likely benign. Review status: criteria provided, multiple submitters, no conflicts (2 of 4 stars). 3 submissions from 3 submitters: Benign (1); Likely benign (2). Last evaluated 2026-09-22.

Conditions:
Neurofibromatosis, type 1 (NF1). Also called: NEUROFIBROMATOSIS, TYPE I, SOMATIC; Neurofibromatosis, type I; VON RECKLINGHAUSEN DISEASE; Peripheral type neurofibromatosis. Identifiers: Orphanet 636, MedGen C0027831, MONDO:0018975, OMIM 162200. Disease mechanism: loss of function.
Cardiovascular phenotype. Identifiers: MedGen CN230736.
Hereditary cancer-predisposing syndrome. Also called: Neoplastic Syndromes, Hereditary; Tumor predisposition; Hereditary Cancer Syndrome; Hereditary neoplastic syndrome. Identifiers: Orphanet 140162, MedGen C0027672, MeSH D009386, MONDO:0015356.

Submissions (3):

Myriad Genetics, Inc.
Classification: Likely benign for Neurofibromatosis, type 1. Last evaluated: 2026-09-22. Review status: criteria provided, single submitter. Criteria: Myriad Autosomal Dominant, Autosomal Recessive and X-Linked Classification Criteria (2023). Collection method: clinical testing. Allele origin: unknown.
Comment: This variant is considered likely benign. This variant is intronic and is not expected to impact mRNA splicing.

Labcorp Genetics (formerly Invitae), Labcorp
Classification: Benign for Neurofibromatosis, type 1. Last evaluated: 2025-07-17. Review status: criteria provided, single submitter. Criteria: Invitae Variant Classification Sherloc (09022015). Collection method: clinical testing. Allele origin: germline.

Ambry Genetics
Classification: Likely benign for Cardiovascular phenotype; Hereditary cancer-predisposing syndrome. Last evaluated: 2024-03-06. Review status: criteria provided, single submitter. Criteria: Ambry Variant Classification Scheme 2023. Collection method: clinical testing. Allele origin: germline.

NM_001042492.3(NF1):c.6643-3dup

Gene: NF1 (neurofibromin 1; plus strand). Cytogenetic location: 17q11.2.
Variant type: Duplication.
Coding change: c.6643-3dup on transcript NM_001042492.3 (MANE Select); 3 bases into the intron before coding-DNA position 6643, one base duplicated (T; older notation c.6643-3dupT).
Molecular consequence: intron variant.
Genome position (GRCh38, 1-based): chr17:31,337,816, T duplicated; the last of 6 consecutive T bases (chr17:31,337,811-31,337,816); duplicating any one gives the same sequence. VCF-style (leftmost placement, unchanged base first): chr17-31337810-C-CT. GRCh37 (hg19) VCF-style: chr17-29664828-C-CT.
Other names: c.6580-3dupT (NM_000267.3); c.6580-3dup (NM_000267.4).
Identifiers: ClinVar variation 1663869 (VCV001663869.10), dbSNP rs35917458, ClinGen allele CA289387252.